The following is an entry in ClinVar:

NM_001042432.2(CLN3):c.47-4C>T

Gene: CLN3 (CLN3 lysosomal/endosomal transmembrane protein, battenin; minus strand). Cytogenetic location: 16p12.1.
Variant type: single nucleotide variant.
Coding change: c.47-4C>T on transcript NM_001042432.2 (MANE Select); 4 bases into the intron before coding-DNA position 47, C replaced by T.
Molecular consequence: intron variant.
Genome position (GRCh38, 1-based): chr16:28,491,564, G>A on the plus strand (C>T on the coding strand, the complement: CLN3 is on the minus strand). VCF-style: chr16-28491564-G-A. GRCh37 (hg19) VCF-style: chr16-28502885-G-A.
Other names: c.-38+150C>T (NM_001286109.2, NM_001286110.2); c.47-4C>T (NM_001286104.2, NM_000086.2); c.-96+150C>T (NM_001286105.2).
Identifiers: ClinVar variation 506675 (VCV000506675.8), dbSNP rs1555469480, ClinGen allele CA395347189.

ClinVar aggregate classification (germline): Likely benign. Review status: criteria provided, multiple submitters, no conflicts (2 of 4 stars). 2 submissions from 2 submitters: Likely benign (2). Last evaluated 2021-06-05.

Conditions:
Neuronal ceroid lipofuscinosis. Also called: Neuronal Ceroid Lipofuscinoses. Identifiers: Orphanet 216, Orphanet 79263, MedGen C0027877, MONDO:0016295. Disease mechanism: loss of function.

Submissions (2):

Labcorp Genetics (formerly Invitae), Labcorp
Classification: Likely benign for Neuronal ceroid lipofuscinosis. Last evaluated: 2021-06-05. Review status: criteria provided, single submitter. Criteria: Invitae Variant Classification Sherloc (09022015). Collection method: clinical testing. Allele origin: germline.

GeneDx
Classification: Likely benign. Last evaluated: 2018-02-05. Review status: criteria provided, single submitter. Criteria: GeneDx Variant Classification (06012015). Collection method: clinical testing. Allele origin: germline. Affected: yes.
Comment: This variant is considered likely benign or benign based on one or more of the following criteria: it is a conservative change, it occurs at a poorly conserved position in the protein, it is predicted to be benign by multiple in silico algorithms, and/or has population frequency not consistent with disease.